The following is an entry in ClinVar:

ClinVar aggregate classification (germline): Uncertain significance (1 of 4 stars; one submission).

Allele frequency attached by ClinVar (database versions not stated): gnomAD exomes below 0.00001; TOPMed below 0.00001.
gnomAD v4.1: 1 of 1,612,910 alleles (0.000062%); highest among the groups gnomAD compares: Admixed American, 0.0017%; no homozygotes.

Submission:

Labcorp Genetics (formerly Invitae), Labcorp
Classification: Uncertain significance. Last evaluated: 2024-01-11. Review status: criteria provided, single submitter. Criteria: Invitae Variant Classification Sherloc (09022015). Collection method: clinical testing. Allele origin: germline.
Comment: This sequence change replaces methionine, which is neutral and non-polar, with isoleucine, which is neutral and non-polar, at codon 387 of the CFB protein (p.Met387Ile). This variant is not present in population databases (gnomAD no frequency). This variant has not been reported in the literature in individuals affected with CFB-related conditions. Advanced modeling of protein sequence and biophysical properties (such as structural, functional, and spatial information, amino acid conservation, physicochemical variation, residue mobility, and thermodynamic stability) performed at Invitae indicates that this missense variant is not expected to disrupt CFB protein function with a negative predictive value of 80%. In summary, the available evidence is currently insufficient to determine the role of this variant in disease. Therefore, it has been classified as a Variant of Uncertain Significance.

NM_001710.6(CFB):c.1161G>C (p.Met387Ile)

Gene: CFB (complement factor B; plus strand). Cytogenetic location: 6p21.33.
Variant type: single nucleotide variant.
Coding change: c.1161G>C on transcript NM_001710.6 (MANE Select); coding-DNA position 1161, G replaced by C.
Protein change: p.Met387Ile; replaces methionine 387 with isoleucine.
Molecular consequence: missense variant.
Genome position (GRCh38, 1-based): chr6:31,948,954, G>C. VCF-style: chr6-31948954-G-C. GRCh37 (hg19) VCF-style: chr6-31916731-G-C.
Other names: short protein forms M387I.
Identifiers: ClinVar variation 3007614 (VCV003007614.3), dbSNP rs1771597370, ClinGen allele CA363400959.